The following is an entry in ClinVar:

NM_001323289.2(CDKL5):c.1444_1446del (p.Tyr482del)

Gene: CDKL5 (cyclin dependent kinase like 5; plus strand). Cytogenetic location: Xp22.13.
Variant type: Deletion.
Coding change: c.1444_1446del on transcript NM_001323289.2 (MANE Select); coding-DNA positions 1444 to 1446, 3 bases deleted (TAC; older notation c.1444_1446delTAC).
Protein change: p.Tyr482del; deletes tyrosine 482.
Molecular consequence: inframe deletion.
Genome position (GRCh38, 1-based): chrX:18,604,368-18,604,370, TAC deleted; deleting any 3 consecutive bases within chrX:18,604,367-18,604,370 gives the same sequence; the c. name uses the placement nearest the transcript's 3' end. VCF-style (leftmost placement, unchanged base first): chrX-18604366-CCTA-C. GRCh37 (hg19) VCF-style: chrX-18622486-CCTA-C.
Other names: c.1444_1446del, p.Tyr482del (NM_001037343.2, NM_003159.3); short protein forms Y482del.
Identifiers: ClinVar variation 4536386 (VCV004536386.1).

ClinVar aggregate classification (germline): Uncertain significance (1 of 4 stars; one submission).

Submission:

GeneDx
Classification: Uncertain significance. Last evaluated: 2025-06-03. Review status: criteria provided, single submitter. Criteria: GeneDx Variant Classification Process June 2021. Collection method: clinical testing. Allele origin: germline. Affected: yes.
Comment: Not observed at significant frequency in large population cohorts (gnomAD); In-frame deletion of 1 amino acid in a non-repeat region; Has not been previously published as pathogenic or benign to our knowledge